The following is an entry in ClinVar:

ClinVar aggregate classification (germline): Benign. Review status: criteria provided, multiple submitters, no conflicts (2 of 4 stars). 4 submissions from 4 submitters: Benign (3). 1 of the submissions does not count toward it. Last evaluated 2021-10-25.

Conditions:
PMFBP1-related disorder. Also called: PMFBP1-related condition.
Spermatogenic failure 31. Identifiers: MedGen C4748234, MONDO:0020852, OMIM 618112.

Allele frequency attached by ClinVar (database versions not stated): ExAC 0.44204; TOPMed 0.44633; gnomAD 0.45950 and 0.46103; ESP Exome Variant Server 0.46622; 1000 Genomes Project 30x 0.47970; 1000 Genomes Project 0.48163.
gnomAD v4.1: 680,905 of 1,612,032 alleles (42%); highest among the groups gnomAD compares: South Asian, 59%; 148,218 homozygotes.

Submissions (4):

Genome-Nilou Lab
Classification: Benign for Spermatogenic failure 31. Last evaluated: 2021-10-25. Review status: criteria provided, single submitter. Criteria: ACMG Guidelines, 2015. Collection method: clinical testing. Allele origin: germline. Affected: no.

GeneDx
Classification: Benign. Last evaluated: 2019-01-11. Review status: criteria provided, single submitter. Criteria: GeneDx Variant Classification Process June 2021. Collection method: clinical testing. Allele origin: germline. Affected: yes.
Comment: This variant is associated with the following publications: (PMID: 29083407)

Breakthrough Genomics
Classification: Benign. Review status: criteria provided, single submitter. Criteria: ACMG Guidelines, 2015. Collection method: not provided. Allele origin: germline. Inheritance: Autosomal recessive inheritance. Affected: yes.

PreventionGenetics, part of Exact Sciences
Classification: Benign for PMFBP1-related condition. Last evaluated: 2019-10-18. Review status: no assertion criteria provided. Collection method: clinical testing. Allele origin: germline. Not counted in ClinVar's aggregate classification.
Comment: This variant is classified as benign based on ACMG/AMP sequence variant interpretation guidelines (Richards et al. 2015 PMID: 25741868, with internal and published modifications).

NM_031293.3(PMFBP1):c.2739A>C (p.Lys913Asn)

Gene: PMFBP1 (polyamine modulated factor 1 binding protein 1; minus strand). Cytogenetic location: 16q22.2.
Variant type: single nucleotide variant.
Coding change: c.2739A>C on transcript NM_031293.3 (MANE Select); coding-DNA position 2739, A replaced by C.
Protein change: p.Lys913Asn; replaces lysine 913 with asparagine.
Molecular consequence: missense variant.
Genome position (GRCh38, 1-based): chr16:72,122,943, T>G on the plus strand (A>C on the coding strand, the complement: PMFBP1 is on the minus strand). VCF-style: chr16-72122943-T-G. GRCh37 (hg19) VCF-style: chr16-72156842-T-G.
Other names: c.2304A>C, p.Lys768Asn (NM_001160213.2); short protein forms K768N, K913N.
Identifiers: ClinVar variation 1272687 (VCV001272687.6), dbSNP rs16973716, ClinGen allele CA8161260.
Genomic context (GRCh38, chr16:72,122,943, plus strand): 5'-GAAGCAGCCAGGGTGGTTTAAGATGACTTACTCCTTTTCGCCACTCAGCTTGGCAATGTA[T>G]TTCACCTGCTCTCGGAGCTGGTTTCCTAGTTTCTCATTGGCGACCCTGTAATAAAATCAC-3'
Protein context (NP_112583.2, residues 903-923): KLGNQLREQV[Lys913Asn]YIAKLSGEKD